The following is an entry in ClinVar:

ClinVar aggregate classification (germline): Uncertain significance. Review status: criteria provided, multiple submitters, no conflicts (2 of 4 stars). 3 submissions from 3 submitters: Uncertain significance (3). Last evaluated 2025-06-23.

Conditions:
Wilms tumor 1 (WT1). Also called: Wilms tumor, somatic. Identifiers: Orphanet 654, MedGen CN033288, MONDO:0008679, OMIM 194070.
Drash syndrome (DDS). Also called: NEPHROPATHY, WILMS TUMOR, AND GENITAL ANOMALIES; WILMS TUMOR AND PSEUDO- OR TRUE HERMAPHRODITISM. Identifiers: Orphanet 220, MedGen C0950121, MONDO:0008682, OMIM 194080.
11p partial monosomy syndrome (WAGR). Also called: WAGR Spectrum Disorder; CHROMOSOME 11p13 DELETION SYNDROME; WAGR syndrome; WAGR Complex. Identifiers: Orphanet 893, MedGen C0206115, MONDO:0008681, OMIM 194072.
Frasier syndrome. Identifiers: Orphanet 347, MedGen C0950122, MeSH D052159, MONDO:0007635, OMIM 136680.
Inborn genetic diseases. Identifiers: MedGen C0950123, MeSH D030342.

Allele frequency attached by ClinVar (database versions not stated): gnomAD exomes below 0.00001 and 0.00002; TOPMed below 0.00001; ExAC 0.00001.
gnomAD v4.1: 36 of 1,614,208 alleles (0.0022%); highest among the groups gnomAD compares: Non-Finnish European, 0.0029%; no homozygotes.

Submissions (3):

GeneDx
Classification: Uncertain significance. Last evaluated: 2025-06-23. Review status: criteria provided, single submitter. Criteria: GeneDx Variant Classification Process June 2021. Collection method: clinical testing. Allele origin: germline. Affected: yes.
Comment: Not observed at significant frequency in large population cohorts (gnomAD); In silico analysis supports that this missense variant has a deleterious effect on protein structure/function; Has not been previously published as pathogenic or benign to our knowledge

Ambry Genetics
Classification: Uncertain significance for Inborn genetic diseases. Last evaluated: 2024-12-08. Review status: criteria provided, single submitter. Criteria: Ambry Variant Classification Scheme 2023. Collection method: clinical testing. Allele origin: germline.
Comment: The p.G351E variant (also known as c.1052G>A), located in coding exon 6 of the WT1 gene, results from a G to A substitution at nucleotide position 1052. The glycine at codon 351 is replaced by glutamic acid, an amino acid with similar properties. This amino acid position is conserved. In addition, the in silico prediction for this alteration is inconclusive. Based on the available evidence, the clinical significance of this variant remains unclear.

Labcorp Genetics (formerly Invitae), Labcorp
Classification: Uncertain significance for Wilms tumor 1; Drash syndrome; 11p partial monosomy syndrome; Frasier syndrome. Last evaluated: 2023-05-24. Review status: criteria provided, single submitter. Criteria: Invitae Variant Classification Sherloc (09022015). Collection method: clinical testing. Allele origin: germline.
Comment: An algorithm developed to predict the effect of missense changes on protein structure and function (PolyPhen-2) suggests that this variant is likely to be disruptive. ClinVar contains an entry for this variant (Variation ID: 476675). This variant has not been reported in the literature in individuals affected with WT1-related conditions. This variant is present in population databases (rs760654956, gnomAD 0.0009%). This sequence change replaces glycine, which is neutral and non-polar, with glutamic acid, which is acidic and polar, at codon 351 of the WT1 protein (p.Gly351Glu). In summary, the available evidence is currently insufficient to determine the role of this variant in disease. Therefore, it has been classified as a Variant of Uncertain Significance.

NM_024426.6(WT1):c.1067G>A (p.Gly356Glu)

Gene: WT1 (WT1 transcription factor; minus strand). Cytogenetic location: 11p13.
Variant type: single nucleotide variant.
Coding change: c.1067G>A on transcript NM_024426.6 (MANE Select); coding-DNA position 1067, G replaced by A.
Protein change: p.Gly356Glu; replaces glycine 356 with glutamic acid.
Molecular consequence: missense variant. On other transcripts: 5 prime UTR variant (1), non-coding transcript variant (1).
Genome position (GRCh38, 1-based): chr11:32,399,994, C>T on the plus strand (G>A on the coding strand, the complement: WT1 is on the minus strand). VCF-style: chr11-32399994-C-T. GRCh37 (hg19) VCF-style: chr11-32421540-C-T.
Other names: c.1016G>A, p.Gly339Glu (NM_000378.6, NM_001407045.1, NM_001407048.1 and 1 more transcripts); c.416G>A, p.Gly139Glu (NM_001198551.2); c.365G>A, p.Gly122Glu (NM_001198552.2); c.-122G>A (NM_001367854.1); c.1061G>A, p.Gly354Glu (NM_001407044.1); c.1067G>A, p.Gly356Glu (NM_001407046.1, NM_024424.5); c.944G>A, p.Gly315Glu (NM_001407047.1); c.893G>A, p.Gly298Glu (NM_001407050.1); and 2 more; short protein forms G139E, G356E, G122E, G339E, G298E, G354E, G102E, G315E.
Identifiers: ClinVar variation 476675 (VCV000476675.14), dbSNP rs760654956, ClinGen allele CA064094.